The following is an entry in ClinVar:

ClinVar aggregate classification (germline): Uncertain significance (1 of 4 stars; one submission).

gnomAD v4.1: 17 of 1,614,222 alleles (0.0011%); highest among the groups gnomAD compares: Non-Finnish European, 0.0014%; no homozygotes.

Submission:

Labcorp Genetics (formerly Invitae), Labcorp
Classification: Uncertain significance. Last evaluated: 2022-03-24. Review status: criteria provided, single submitter. Criteria: Invitae Variant Classification Sherloc (09022015). Collection method: clinical testing. Allele origin: germline.
Comment: This sequence change replaces arginine, which is basic and polar, with cysteine, which is neutral and slightly polar, at codon 842 of the CAD protein (p.Arg842Cys). This variant is not present in population databases (gnomAD no frequency). This variant has not been reported in the literature in individuals affected with CAD-related conditions. Algorithms developed to predict the effect of missense changes on protein structure and function are either unavailable or do not agree on the potential impact of this missense change (SIFT: "Deleterious"; PolyPhen-2: "Probably Damaging"; Align-GVGD: "Class C0"). In summary, the available evidence is currently insufficient to determine the role of this variant in disease. Therefore, it has been classified as a Variant of Uncertain Significance.

NM_004341.5(CAD):c.2524C>T (p.Arg842Cys)

Genes: CAD (carbamoyl-phosphate synthetase 2, aspartate transcarbamylase, and dihydroorotase; plus strand), LOC126806171 (BRD4-independent group 4 enhancer GRCh37_chr2:27454350-27455549; plus strand). Cytogenetic location: 2p23.3.
Variant type: single nucleotide variant.
Coding change: c.2524C>T on transcript NM_004341.5 (MANE Select); coding-DNA position 2524, C replaced by T.
Protein change: p.Arg842Cys; replaces arginine 842 with cysteine.
Molecular consequence: missense variant.
Genome position (GRCh38, 1-based): chr2:27,232,103, C>T. VCF-style: chr2-27232103-C-T. GRCh37 (hg19) VCF-style: chr2-27454971-C-T.
Other names: c.2335C>T, p.Arg779Cys (NM_001306079.2); short protein forms R779C, R842C.
Identifiers: ClinVar variation 2164820 (VCV002164820.1), dbSNP rs1675789925, ClinGen allele CA346211555.